The following is an entry in ClinVar:

NM_000083.3(CLCN1):c.1673C>T (p.Pro558Leu)

Gene: CLCN1 (chloride voltage-gated channel 1; plus strand). Cytogenetic location: 7q34.
Variant type: single nucleotide variant.
Coding change: c.1673C>T on transcript NM_000083.3 (MANE Select); coding-DNA position 1673, C replaced by T.
Protein change: p.Pro558Leu; replaces proline 558 with leucine.
Molecular consequence: missense variant. On other transcripts: non-coding transcript variant (1).
Genome position (GRCh38, 1-based): chr7:143,342,019, C>T. VCF-style: chr7-143342019-C-T. GRCh37 (hg19) VCF-style: chr7-143039112-C-T.
Other names: short protein forms P558L.
Identifiers: ClinVar variation 1708994 (VCV001708994.4), dbSNP rs1803091318, ClinGen allele CA369646529.
Genomic context (GRCh38, chr7:143,342,019, plus strand): 5'-ACACAGTCTCCACAGCTGTGATTTGCTTCGAATTAACGGGTCAGATTGCTCACATCCTGC[C>T]CATGATGGTGGCTGTTATCTTGGCCAACATGGTGGCCCAGAGCCTGCAGCCCTCTCTCTA-3'
Protein context (NP_000074.3, residues 548-568): ELTGQIAHIL[Pro558Leu]MMVAVILANM

ClinVar aggregate classification (germline): Conflicting classifications of pathogenicity. Review status: criteria provided, conflicting classifications (1 of 4 stars). 3 submissions from 3 submitters: Pathogenic (1); Likely pathogenic (1); Uncertain significance (1). Last evaluated 2025-12-28.

Conditions:
Congenital myotonia, autosomal dominant form (THD). Also called: THOMSEN DISEASE; Myotonia congenita autosomal dominant. Identifiers: Orphanet 614, MedGen C2936781, MONDO:0008055, OMIM 160800.
Congenital myotonia, autosomal recessive form. Also called: BECKER DISEASE; myotonia congenita, autosomal recessive; Becker Generalized Myotonia. Identifiers: Orphanet 614, MedGen C0751360, MONDO:0009715, OMIM 255700.

Allele frequency attached by ClinVar (database versions not stated): gnomAD 0.00001.
gnomAD v4.1: 1 of 1,614,094 alleles (0.000062%); highest among the groups gnomAD compares: African/African-American, 0.0013%; no homozygotes.

Submissions (3):

Labcorp Genetics (formerly Invitae), Labcorp
Classification: Likely pathogenic for Congenital myotonia, autosomal recessive form; Congenital myotonia, autosomal dominant form. Last evaluated: 2025-12-28. Review status: criteria provided, single submitter. Criteria: Invitae Variant Classification Sherloc (09022015). Collection method: clinical testing. Allele origin: germline.
Comment: This sequence change replaces proline, which is neutral and non-polar, with leucine, which is neutral and non-polar, at codon 558 of the CLCN1 protein (p.Pro558Leu). This variant is not present in population databases (gnomAD no frequency). This variant has not been reported in the literature in individuals affected with CLCN1-related conditions. ClinVar contains an entry for this variant (Variation ID: 1708994). Invitae Evidence Modeling of protein sequence and biophysical properties (such as structural, functional, and spatial information, amino acid conservation, physicochemical variation, residue mobility, and thermodynamic stability) indicates that this missense variant is expected to disrupt CLCN1 protein function with a positive predictive value of 95%. This variant disrupts the p.Pro558 amino acid residue in CLCN1. Other variant(s) that disrupt this residue have been determined to be pathogenic (PMID: 9566422, 9736777, 10051520, 19882638, 31069529; internal data). This suggests that this residue is clinically significant, and that variants that disrupt this residue are likely to be disease-causing. In summary, the currently available evidence indicates that the variant is pathogenic, but additional data are needed to prove that conclusively. Therefore, this variant has been classified as Likely Pathogenic.

Human Genetics Bochum, Ruhr University Bochum
Classification: Pathogenic for Congenital myotonia, autosomal recessive form. Last evaluated: 2025-04-22. Review status: criteria provided, single submitter. Criteria: ACMG Guidelines, 2015. Collection method: clinical testing. Allele origin: germline. Affected: yes.
Comment: in homozygous state; ACMG criteria used to clasify this variant: PP3_STR, PM3, PM5, PM2_SUP, PP2

MGZ Medical Genetics Center
Classification: Uncertain significance for Congenital myotonia, autosomal recessive form. Last evaluated: 2021-12-07. Review status: criteria provided, single submitter. Criteria: ACMG Guidelines, 2015. Collection method: clinical testing. Allele origin: germline. Affected: yes. Observed: 2 variant alleles.
Comment: ACMG criteria applied: PM2_SUP, PP3

Literature cited by the submitters: PubMed 9566422 (cited by Labcorp Genetics (formerly Invitae), Labcorp); PubMed 9736777 (cited by Labcorp Genetics (formerly Invitae), Labcorp); PubMed 10051520 (cited by Labcorp Genetics (formerly Invitae), Labcorp); PubMed 19882638 (cited by Labcorp Genetics (formerly Invitae), Labcorp); PubMed 31069529 (cited by Labcorp Genetics (formerly Invitae), Labcorp).